The following is an entry in ClinVar:

NM_001458.5(FLNC):c.6816C>T (p.Ser2272=)

Genes: FLNC-AS1 (FLNC antisense RNA 1; minus strand), FLNC (filamin C; plus strand). Cytogenetic location: 7q32.1.
Variant type: single nucleotide variant.
Coding change: c.6816C>T on transcript NM_001458.5 (MANE Select); coding-DNA position 6816, C replaced by T.
Protein change: p.Ser2272=; no amino-acid change (serine 2272 retained).
Molecular consequence: synonymous variant.
Genome position (GRCh38, 1-based): chr7:128,854,501, C>T. VCF-style: chr7-128854501-C-T. GRCh37 (hg19) VCF-style: chr7-128494555-C-T.
Other names: c.6717C>T, p.Ser2239= (NM_001127487.2).
Identifiers: ClinVar variation 539518 (VCV000539518.23), dbSNP rs375139827, ClinGen allele CA4476098.

ClinVar aggregate classification (germline): Benign/Likely benign. Review status: criteria provided, multiple submitters, no conflicts (2 of 4 stars). 6 submissions from 6 submitters: Benign (1); Likely benign (5). Last evaluated 2026-09-21.

Conditions:
Myofibrillar myopathy 5. Also called: Filaminopathy (type); FILAMINOPATHY, AUTOSOMAL DOMINANT. Identifiers: Orphanet 171445, MedGen C1836050, MONDO:0012289, OMIM 609524.
Distal myopathy with posterior leg and anterior hand involvement. Also called: WILLIAMS DISTAL MYOPATHY. Identifiers: Orphanet 63273, MedGen C3279722, MONDO:0013550, OMIM 614065.
Hypertrophic cardiomyopathy 26. Also called: Cardiomyopathy, familial hypertrophic, 26. Identifiers: Orphanet 75249, MedGen C4310749, MONDO:0014883, OMIM 617047.
Cardiovascular phenotype. Identifiers: MedGen CN230736.

Allele frequency attached by ClinVar (database versions not stated): gnomAD 0.00006; TOPMed 0.00012; ExAC 0.00017.
gnomAD v4.1: 43 of 1,604,690 alleles (0.0027%); highest among the groups gnomAD compares: East Asian, 0.072%; no homozygotes.

Submissions (6):

Molecular Diagnostic Laboratory for Inherited Cardiovascular Disease, Montreal Heart Institute
Classification: Likely benign. Last evaluated: 2026-09-21. Review status: criteria provided, single submitter. Criteria: ACMG Guidelines, 2015. Collection method: clinical testing. Allele origin: germline. Affected: no.
Comment: BS1;BP7

Labcorp Genetics (formerly Invitae), Labcorp
Classification: Likely benign for Distal myopathy with posterior leg and anterior hand involvement; Myofibrillar myopathy 5; Hypertrophic cardiomyopathy 26. Last evaluated: 2025-12-08. Review status: criteria provided, single submitter. Criteria: Invitae Variant Classification Sherloc (09022015). Collection method: clinical testing. Allele origin: germline.

CeGaT Center for Human Genetics Tuebingen
Classification: Likely benign. Last evaluated: 2025-10-01. Review status: criteria provided, single submitter. Criteria: CeGaT Center For Human Genetics Tuebingen Variant Classification Criteria Version 2. Collection method: clinical testing. Allele origin: germline. Affected: yes. Observed: 1 variant allele.
Comment: FLNC: BP4, BP7

Blueprint Genetics
Classification: Likely benign. Last evaluated: 2024-04-11. Review status: criteria provided, single submitter. Criteria: ACMG Guidelines, 2015. Collection method: clinical testing. Allele origin: germline.

GeneDx
Classification: Benign. Last evaluated: 2021-07-21. Review status: criteria provided, single submitter. Criteria: GeneDx Variant Classification Process June 2021. Collection method: clinical testing. Allele origin: germline. Affected: yes.

Ambry Genetics
Classification: Likely benign for Cardiovascular phenotype. Last evaluated: 2021-01-07. Review status: criteria provided, single submitter. Criteria: Ambry Variant Classification Scheme 2023. Collection method: clinical testing. Allele origin: germline.